The following is an entry in ClinVar:

ClinVar aggregate classification (germline): Uncertain significance (1 of 4 stars; one submission).

Conditions:
Malignant hyperthermia, susceptibility to, 1 (MHS1). Also called: Anesthesia related hyperthermia; Malignant hyperpyrexia; Fulminating hyperpyrexia; Pharmacogenic myopathy; RYR1-Related Malignant Hyperthermia Susceptibility; Malignant hyperthermia suceptibility 1. Identifiers: Orphanet 423, MedGen C2930980, MONDO:0007783, OMIM 145600.

gnomAD v4.1: 2 of 1,593,144 alleles (0.00013%); highest among the groups gnomAD compares: Non-Finnish European, 0.00017%; no homozygotes.

Submission:

All of Us Research Program, National Institutes of Health
Classification: Uncertain significance for Malignant hyperthermia, susceptibility to, 1. Last evaluated: 2024-08-06. Review status: criteria provided, single submitter. Criteria: ACMG Guidelines, 2015. Collection method: clinical testing. Allele origin: germline. Inheritance: Autosomal dominant inheritance. Observed: 1 variant allele, 1 heterozygote.
Comment: This study involves interpretation of variants in research participants for the purpose of population health screening. Participant phenotype was not available at the time of variant classification. Additional details can be found in publication PMID: 35346344, PMCID: PMC8962531

NM_000540.3(RYR1):c.3968G>A (p.Arg1323Gln)

Gene: RYR1 (ryanodine receptor 1; plus strand). Cytogenetic location: 19q13.2.
Variant type: single nucleotide variant.
Coding change: c.3968G>A on transcript NM_000540.3 (MANE Select); coding-DNA position 3968, G replaced by A.
Protein change: p.Arg1323Gln; replaces arginine 1323 with glutamine.
Molecular consequence: missense variant.
Genome position (GRCh38, 1-based): chr19:38,473,579, G>A. VCF-style: chr19-38473579-G-A. GRCh37 (hg19) VCF-style: chr19-38964219-G-A.
Other names: c.3968G>A, p.Arg1323Gln (NM_001042723.2); short protein forms R1323Q.
Identifiers: ClinVar variation 3387696 (VCV003387696.1).